The following is an entry in ClinVar:

ClinVar aggregate classification (germline): Pathogenic/Likely pathogenic. Review status: criteria provided, multiple submitters, no conflicts (2 of 4 stars). 3 submissions from 3 submitters: Pathogenic (2); Likely pathogenic (1). Last evaluated 2024-11-06.

Conditions:
Cholestanol storage disease (CTX). Also called: CEREBRAL CHOLESTERINOSIS; Cerebrotendinous Xanthomatosis; CTX: Cerebrotendinous xanthomatosis. Identifiers: Orphanet 909, MedGen C0238052, MONDO:0008948, OMIM 213700.

Allele frequency attached by ClinVar (database versions not stated): TOPMed 0.00001.

Submissions (3):

3billion
Classification: Pathogenic for Cholestanol storage disease. Last evaluated: 2024-11-06. Review status: criteria provided, single submitter. Criteria: ACMG Guidelines, 2015. Collection method: clinical testing. Allele origin: germline. Affected: yes.
Comment: The variant is not observed in the gnomAD v4.1.0 dataset. Predicted Consequence/Location: Stop-gained (nonsense): predicted to result in a loss or disruption of normal protein function through nonsense-mediated decay (NMD) or protein truncation. Multiple pathogenic variants are reported downstream of the variant. The variant has been reported at least twice as pathogenic with clinical assertions and evidence for the classification (ClinVar ID: VCV000984203 /PMID: 37083278 /3billion dataset). Therefore, this variant is classified as Pathogenic according to the recommendation of ACMG/AMP guideline.

Labcorp Genetics (formerly Invitae), Labcorp
Classification: Pathogenic for Cholestanol storage disease. Last evaluated: 2023-11-25. Review status: criteria provided, single submitter. Criteria: Invitae Variant Classification Sherloc (09022015). Collection method: clinical testing. Allele origin: germline.
Comment: This sequence change creates a premature translational stop signal (p.Trp268*) in the CYP27A1 gene. It is expected to result in an absent or disrupted protein product. Loss-of-function variants in CYP27A1 are known to be pathogenic (PMID: 9392430, 10775536, 26937392). This variant is not present in population databases (gnomAD no frequency). This variant has not been reported in the literature in individuals affected with CYP27A1-related conditions. ClinVar contains an entry for this variant (Variation ID: 984203). For these reasons, this variant has been classified as Pathogenic.

Myriad Genetics, Inc.
Classification: Likely pathogenic for Cholestanol storage disease. Last evaluated: 2019-08-28. Review status: criteria provided, single submitter. Criteria: Myriad Women's Health Autosomal Recessive and X-Linked Classification Criteria (2019). Collection method: clinical testing. Allele origin: unknown.
Comment: NM_000784.3(CYP27A1):c.803G>A(W268*) is expected to be pathogenic in the context of cerebrotendinous xanthomatosis. This variant is predicted to lead to an abnormal or absent protein product due to the creation of a premature termination codon in CYP27A1, a gene where loss-of-function variants are known to be pathogenic. Please note: this variant was assessed in the context of healthy population screening.

Literature cited by the submitters: PubMed 37083278 (cited by 3billion); PubMed 9392430 (cited by Labcorp Genetics (formerly Invitae), Labcorp); PubMed 10775536 (cited by Labcorp Genetics (formerly Invitae), Labcorp); PubMed 26937392 (cited by Labcorp Genetics (formerly Invitae), Labcorp).

NM_000784.4(CYP27A1):c.803G>A (p.Trp268Ter)

Gene: CYP27A1 (cytochrome P450 family 27 subfamily A member 1; plus strand). Cytogenetic location: 2q35.
Variant type: single nucleotide variant.
Coding change: c.803G>A on transcript NM_000784.4 (MANE Select); coding-DNA position 803, G replaced by A.
Protein change: p.Trp268Ter; replaces tryptophan 268 with a stop codon.
Molecular consequence: nonsense.
Genome position (GRCh38, 1-based): chr2:218,812,708, G>A. VCF-style: chr2-218812708-G-A. GRCh37 (hg19) VCF-style: chr2-219677431-G-A.
Other names: short protein forms W268*.
Identifiers: ClinVar variation 984203 (VCV000984203.11), dbSNP rs1943736070, ClinGen allele CA350587337.